The following is an entry in ClinVar:

NM_003049.4(SLC10A1):c.447C>T (p.Asp149=)

Gene: SLC10A1 (solute carrier family 10 member 1; minus strand). Cytogenetic location: 14q24.1.
Variant type: single nucleotide variant.
Coding change: c.447C>T on transcript NM_003049.4 (MANE Select); coding-DNA position 447, C replaced by T.
Protein change: p.Asp149=; no amino-acid change (aspartic acid 149 retained).
Molecular consequence: synonymous variant.
Genome position (GRCh38, 1-based): chr14:69,786,217, G>A on the plus strand (C>T on the coding strand, the complement: SLC10A1 is on the minus strand). VCF-style: chr14-69786217-G-A. GRCh37 (hg19) VCF-style: chr14-70252934-G-A.
Identifiers: ClinVar variation 3029742 (VCV003029742.2), dbSNP rs754040119, ClinGen allele CA7246164.
Genomic context (GRCh38, chr14:69,786,217, plus strand): 5'-AGGAATGAGAACCAGGACCAGTGATATCACGATGCCTTTATAGGGCACCTTGTCCTTCAG[G>A]TCCCCATCATAGATCCCCCTGGAGTAGATGTACAGGAGGAGAGGCATCATGCCAAGGGCA-3'
Protein context (NP_003040.1, residues 139-159): YIYSRGIYDG[Asp149=]LKDKVPYKGI

ClinVar aggregate classification (germline): Likely benign (0 of 4 stars; one submission).

Conditions:
SLC10A1-related disorder. Also called: SLC10A1-related condition.

Allele frequency attached by ClinVar (database versions not stated): gnomAD exomes below 0.00001; ExAC 0.00001.
gnomAD v4.1: 2 of 1,613,896 alleles (0.00012%); highest among the groups gnomAD compares: South Asian, 0.0022%; no homozygotes.

Submission:

PreventionGenetics, part of Exact Sciences
Classification: Likely benign for SLC10A1-related condition. Last evaluated: 2022-02-01. Review status: no assertion criteria provided. Collection method: clinical testing. Allele origin: germline.
Comment: This variant is classified as likely benign based on ACMG/AMP sequence variant interpretation guidelines (Richards et al. 2015 PMID: 25741868, with internal and published modifications).